The following is an entry in ClinVar:

NM_007294.4(BRCA1):c.3755del (p.Leu1252fs)

Genes: BRCA1 (BRCA1 DNA repair associated; minus strand), LOC126862571 (BRD4-independent group 4 enhancer GRCh37_chr17:41243136-41244335; plus strand). Cytogenetic location: 17q21.31.
Variant type: Deletion.
Coding change: c.3755del on transcript NM_007294.4 (MANE Select); coding-DNA position 3755, one base deleted (T; older notation c.3755delT).
Protein change: p.Leu1252fs; shifts the reading frame from leucine 1252.
Molecular consequence: frameshift variant. On other transcripts: intron variant (135).
Genome position (GRCh38, 1-based): chr17:43,091,776, A deleted on the plus strand (T on the coding strand, the reverse complement: BRCA1 is on the minus strand). VCF-style (leftmost placement, unchanged base first): chr17-43091775-CA-C. GRCh37 (hg19) VCF-style: chr17-41243792-CA-C.
Other names: c.3542del, p.Leu1181fs (NM_001407571.1, NM_001407853.1, NM_001407894.1 and 9 more transcripts); c.3755del, p.Leu1252fs (NM_001407581.1, NM_001407582.1, NM_001407583.1 and 30 more transcripts); c.3752del, p.Leu1251fs (NM_001407587.1, NM_001407590.1, NM_001407591.1 and 22 more transcripts); c.3746del, p.Leu1249fs (NM_001407646.1, NM_001407647.1); c.3632del, p.Leu1211fs (NM_001407648.1, NM_001407664.1, NM_001407665.1 and 19 more transcripts); c.3629del, p.Leu1210fs (NM_001407649.1, NM_001407670.1, NM_001407671.1 and 11 more transcripts); c.3677del, p.Leu1226fs (NM_001407653.1, NM_001407654.1, NM_001407655.1 and 4 more transcripts); c.3674del, p.Leu1225fs (NM_001407659.1, NM_001407660.1, NM_001407661.1 and 1 more transcripts); and 41 more; short protein forms L1084fs, L1124fs, L1141fs, L1185fs, L1210fs, L1251fs, L1252fs, L1125fs.
Identifiers: ClinVar variation 2708101 (VCV002708101.3), dbSNP rs2552138619, ClinGen allele CA2697559883.

ClinVar aggregate classification (germline): Pathogenic (1 of 4 stars; one submission).

Conditions:
Hereditary breast ovarian cancer syndrome. Also called: Hereditary breast and ovarian cancer syndrome; Hereditary breast and ovarian cancer syndrome (HBOC); Hereditary breast and/or ovarian cancer syndrome; Hereditary breast and ovarian cancer; Breast and ovarian cancer; BRCA1- and BRCA2-Associated Hereditary Breast and Ovarian Cancer. Identifiers: Orphanet 145, MedGen C0677776, MeSH D061325, MONDO:0003582. Disease mechanism: loss of function.

Submission:

Labcorp Genetics (formerly Invitae), Labcorp
Classification: Pathogenic for Hereditary breast ovarian cancer syndrome. Last evaluated: 2024-01-07. Review status: criteria provided, single submitter. Criteria: Invitae Variant Classification Sherloc (09022015). Collection method: clinical testing. Allele origin: germline.
Comment: This sequence change creates a premature translational stop signal (p.Leu1252Argfs*12) in the BRCA1 gene. It is expected to result in an absent or disrupted protein product. Loss-of-function variants in BRCA1 are known to be pathogenic (PMID: 20104584). This variant is not present in population databases (gnomAD no frequency). This variant has not been reported in the literature in individuals affected with BRCA1-related conditions. For these reasons, this variant has been classified as Pathogenic.

Literature cited by the submitters: PubMed 20104584.